The following is an entry in ClinVar:

ClinVar aggregate classification (germline): Likely benign (1 of 4 stars; one submission).

Submission:

CeGaT Center for Human Genetics Tuebingen
Classification: Likely benign. Last evaluated: 2024-06-01. Review status: criteria provided, single submitter. Criteria: CeGaT Center For Human Genetics Tuebingen Variant Classification Criteria Version 2. Collection method: clinical testing. Allele origin: germline. Affected: yes. Observed: 2 variant alleles.
Comment: SNRNP200: PM2:Supporting, BP4, BP7

NM_014014.5(SNRNP200):c.3592C>T (p.Leu1198=)

Gene: SNRNP200 (small nuclear ribonucleoprotein U5 subunit 200; minus strand). Cytogenetic location: 2q11.2.
Variant type: single nucleotide variant.
Coding change: c.3592C>T on transcript NM_014014.5 (MANE Select); coding-DNA position 3592, C replaced by T.
Protein change: p.Leu1198=; no amino-acid change (leucine 1198 retained).
Molecular consequence: synonymous variant.
Genome position (GRCh38, 1-based): chr2:96,287,053, G>A on the plus strand (C>T on the coding strand, the complement: SNRNP200 is on the minus strand). VCF-style: chr2-96287053-G-A. GRCh37 (hg19) VCF-style: chr2-96952791-G-A.
Identifiers: ClinVar variation 2651144 (VCV002651144.24), dbSNP rs2467328844, ClinGen allele CA427808566.